The following is an entry in ClinVar:

ClinVar aggregate classification (germline): Uncertain significance. Review status: criteria provided, multiple submitters, no conflicts (2 of 4 stars). 4 submissions from 4 submitters: Uncertain significance (3). 1 of the submissions does not count toward it. Last evaluated 2024-12-24.

Conditions:
Autosomal recessive nonsyndromic hearing loss 12. Also called: DEAFNESS, AUTOSOMAL RECESSIVE 12. Identifiers: Orphanet 90636, MedGen C1832394, MONDO:0011067, OMIM 601386.
Pituitary adenoma 5, multiple types. Identifiers: MedGen C4539685, MONDO:0054601, OMIM 617540.
Usher syndrome type 1D (USH1D). Also called: USHER SYNDROME, TYPE ID. Identifiers: Orphanet 231169, Orphanet 886, MedGen C1832845, MONDO:0010984, OMIM 601067.
Usher syndrome type 1 (USH1). Also called: RETINITIS PIGMENTOSA AND CONGENITAL DEAFNESS. Identifiers: Orphanet 231169, Orphanet 886, MedGen C1568247, MONDO:0010168, OMIM 276900.

gnomAD v4.1: 5 of 1,612,674 alleles (0.00031%); highest among the groups gnomAD compares: Middle Eastern, 0.033%; no homozygotes.

Submissions (4):

Laboratory of Prof. Karen Avraham, Tel Aviv University
Classification: Uncertain significance for Autosomal recessive nonsyndromic hearing loss 12. Last evaluated: 2024-12-24. Review status: criteria provided, single submitter. Criteria: ACMG Guidelines, 2015. Collection method: research. Allele origin: germline. Affected: yes. Observed: 1 variant allele.
Comment: The CDH23 c.2863C>A:p.(Arg955Ser) variant is extremely rare and predicted deleterious.

Labcorp Genetics (formerly Invitae), Labcorp
Classification: Uncertain significance. Last evaluated: 2022-06-08. Review status: criteria provided, single submitter. Criteria: Invitae Variant Classification Sherloc (09022015). Collection method: clinical testing. Allele origin: germline.
Comment: This sequence change replaces arginine, which is basic and polar, with serine, which is neutral and polar, at codon 955 of the CDH23 protein (p.Arg955Ser). This variant is present in population databases (rs765094120, gnomAD 0.01%). This variant has not been reported in the literature in individuals affected with CDH23-related conditions. ClinVar contains an entry for this variant (Variation ID: 989819). Algorithms developed to predict the effect of missense changes on protein structure and function are either unavailable or do not agree on the potential impact of this missense change (SIFT: "Deleterious"; PolyPhen-2: "Not Available"; Align-GVGD: "Class C65"). In summary, the available evidence is currently insufficient to determine the role of this variant in disease. Therefore, it has been classified as a Variant of Uncertain Significance.

Fulgent Genetics
Classification: Uncertain significance for Usher syndrome type 1D; Autosomal recessive nonsyndromic hearing loss 12; Pituitary adenoma 5, multiple types. Last evaluated: 2022-02-16. Review status: criteria provided, single submitter. Criteria: ACMG Guidelines, 2015. Collection method: clinical testing. Allele origin: unknown.

Natera, Inc.
Classification: Uncertain significance for Usher syndrome type 1. Last evaluated: 2020-04-15. Review status: no assertion criteria provided. Collection method: clinical testing. Allele origin: germline. Not counted in ClinVar's aggregate classification.

NM_022124.6(CDH23):c.2863C>A (p.Arg955Ser)

Gene: CDH23 (cadherin related 23; plus strand). Cytogenetic location: 10q22.1.
Variant type: single nucleotide variant.
Coding change: c.2863C>A on transcript NM_022124.6 (MANE Select); coding-DNA position 2863, C replaced by A.
Protein change: p.Arg955Ser; replaces arginine 955 with serine.
Molecular consequence: missense variant.
Genome position (GRCh38, 1-based): chr10:71,705,040, C>A. VCF-style: chr10-71705040-C-A. GRCh37 (hg19) VCF-style: chr10-73464797-C-A.
Other names: DFNB12; c.2863C>A, p.Arg955Ser (NM_001171930.2, NM_001171931.2); short protein forms R955S.
Identifiers: ClinVar variation 989819 (VCV000989819.5), dbSNP rs765094120, ClinGen allele CA5544357.